The following is an entry in ClinVar:

ClinVar aggregate classification (germline): Pathogenic (1 of 4 stars; one submission).

Submission:

Labcorp Genetics (formerly Invitae), Labcorp
Classification: Pathogenic. Last evaluated: 2024-02-22. Review status: criteria provided, single submitter. Criteria: Invitae Variant Classification Sherloc (09022015). Collection method: clinical testing. Allele origin: germline.
Comment: This sequence change creates a premature translational stop signal (p.Gly671Valfs*8) in the TTC37 gene. It is expected to result in an absent or disrupted protein product. Loss-of-function variants in TTC37 are known to be pathogenic (PMID: 20176027, 21120949). This variant is not present in population databases (gnomAD no frequency). This variant has not been reported in the literature in individuals affected with TTC37-related conditions. For these reasons, this variant has been classified as Pathogenic.

Literature cited by the submitters: PubMed 20176027; PubMed 21120949.

NM_014639.4(SKIC3):c.2010del (p.Gly671fs)

Gene: SKIC3 (SKI3 subunit of superkiller complex; minus strand). Cytogenetic location: 5q15.
Variant type: Deletion.
Coding change: c.2010del on transcript NM_014639.4 (MANE Select); coding-DNA position 2010, one base deleted (A; older notation c.2010delA).
Protein change: p.Gly671fs; shifts the reading frame from glycine 671.
Molecular consequence: frameshift variant.
Genome position (GRCh38, 1-based): chr5:95,522,055, T deleted on the plus strand (A on the coding strand, the reverse complement: SKIC3 is on the minus strand); the first of 4 consecutive T bases (chr5:95,522,055-95,522,058); deleting any one gives the same sequence. VCF-style (leftmost placement, unchanged base first): chr5-95522054-CT-C. GRCh37 (hg19) VCF-style: chr5-94857758-CT-C.
Other names: short protein forms G671fs.
Identifiers: ClinVar variation 3642480 (VCV003642480.2).